The following is an entry in ClinVar:

NM_001367561.1(DOCK7):c.3118C>T (p.Arg1040Cys)

Gene: DOCK7 (dedicator of cytokinesis 7; minus strand). Cytogenetic location: 1p31.3.
Variant type: single nucleotide variant.
Coding change: c.3118C>T on transcript NM_001367561.1 (MANE Select); coding-DNA position 3118, C replaced by T.
Protein change: p.Arg1040Cys; replaces arginine 1040 with cysteine.
Molecular consequence: missense variant.
Genome position (GRCh38, 1-based): chr1:62,539,820, G>A on the plus strand (C>T on the coding strand, the complement: DOCK7 is on the minus strand). VCF-style: chr1-62539820-G-A. GRCh37 (hg19) VCF-style: chr1-63005491-G-A.
Other names: c.3118C>T, p.Arg1040Cys (NM_001271999.2, NM_001330614.2); c.3025C>T, p.Arg1009Cys (NM_001272000.2, NM_001272001.2, NM_033407.4); short protein forms R1040C, R1009C.
Identifiers: ClinVar variation 1494089 (VCV001494089.8), dbSNP rs1443849347, ClinGen allele CA340610138.

ClinVar aggregate classification (germline): Uncertain significance (1 of 4 stars; one submission).

Conditions:
Developmental and epileptic encephalopathy, 23 (DEE23). Also called: Epileptic encephalopathy, early infantile, 23. Identifiers: Orphanet 411986, MedGen C4014492, MONDO:0014371, OMIM 615859.

gnomAD v4.1: 5 of 1,613,564 alleles (0.00031%); highest among the groups gnomAD compares: Non-Finnish European, 0.00042%; no homozygotes.

Submission:

Labcorp Genetics (formerly Invitae), Labcorp
Classification: Uncertain significance for Developmental and epileptic encephalopathy, 23. Last evaluated: 2022-08-15. Review status: criteria provided, single submitter. Criteria: Invitae Variant Classification Sherloc (09022015). Collection method: clinical testing. Allele origin: germline.
Comment: In summary, the available evidence is currently insufficient to determine the role of this variant in disease. Therefore, it has been classified as a Variant of Uncertain Significance. Algorithms developed to predict the effect of missense changes on protein structure and function are either unavailable or do not agree on the potential impact of this missense change (SIFT: "Deleterious"; PolyPhen-2: "Probably Damaging"; Align-GVGD: "Class C0"). This variant has not been reported in the literature in individuals affected with DOCK7-related conditions. This variant is not present in population databases (gnomAD no frequency). This sequence change replaces arginine, which is basic and polar, with cysteine, which is neutral and slightly polar, at codon 1040 of the DOCK7 protein (p.Arg1040Cys).